The following is an entry in ClinVar:

ClinVar aggregate classification (germline): Uncertain significance (1 of 4 stars; one submission).

Conditions:
ALG1-congenital disorder of glycosylation. Also called: CONGENITAL DISORDER OF GLYCOSYLATION, TYPE Ik; ALG1-CDG; CDG Ik. Identifiers: Orphanet 79327, MedGen C2931005, MONDO:0012052, OMIM 608540.

Allele frequency attached by ClinVar (database versions not stated): TOPMed below 0.00001.
gnomAD v4.1: 2 of 1,614,036 alleles (0.00012%); highest among the groups gnomAD compares: South Asian, 0.0022%; no homozygotes.

Submission:

Labcorp Genetics (formerly Invitae), Labcorp
Classification: Uncertain significance for ALG1-congenital disorder of glycosylation. Last evaluated: 2024-02-24. Review status: criteria provided, single submitter. Criteria: Invitae Variant Classification Sherloc (09022015). Collection method: clinical testing. Allele origin: germline.
Comment: This sequence change replaces valine, which is neutral and non-polar, with phenylalanine, which is neutral and non-polar, at codon 175 of the ALG1 protein (p.Val175Phe). This variant is present in population databases (no rsID available, gnomAD 0.003%). This variant has not been reported in the literature in individuals affected with ALG1-related conditions. ClinVar contains an entry for this variant (Variation ID: 1385823). Advanced modeling of protein sequence and biophysical properties (such as structural, functional, and spatial information, amino acid conservation, physicochemical variation, residue mobility, and thermodynamic stability) has been performed at Invitae for this missense variant, however the output from this modeling did not meet the statistical confidence thresholds required to predict the impact of this variant on ALG1 protein function. In summary, the available evidence is currently insufficient to determine the role of this variant in disease. Therefore, it has been classified as a Variant of Uncertain Significance.

NM_019109.5(ALG1):c.523G>T (p.Val175Phe)

Gene: ALG1 (ALG1 chitobiosyldiphosphodolichol beta-mannosyltransferase; plus strand). Cytogenetic location: 16p13.3.
Variant type: single nucleotide variant.
Coding change: c.523G>T on transcript NM_019109.5 (MANE Select); coding-DNA position 523, G replaced by T.
Protein change: p.Val175Phe; replaces valine 175 with phenylalanine.
Molecular consequence: missense variant.
Genome position (GRCh38, 1-based): chr16:5,075,520, G>T. VCF-style: chr16-5075520-G-T. GRCh37 (hg19) VCF-style: chr16-5125521-G-T.
Other names: c.190G>T, p.Val64Phe (NM_001330504.2); short protein forms V64F, V175F.
Identifiers: ClinVar variation 1385823 (VCV001385823.5), dbSNP rs762783729, ClinGen allele CA394680850.